The following is an entry in ClinVar:

ClinVar aggregate classification (germline): Likely benign. Review status: criteria provided, multiple submitters, no conflicts (2 of 4 stars). 2 submissions from 2 submitters: Likely benign (2). Last evaluated 2024-11-13.

Allele frequency attached by ClinVar (database versions not stated): gnomAD 0.00007; TOPMed 0.00012; ExAC 0.00054.
gnomAD v4.1: 155 of 1,540,476 alleles (0.01%); highest among the groups gnomAD compares: Middle Eastern, 0.23%; no homozygotes.

Submissions (2):

Blueprint Genetics
Classification: Likely benign. Last evaluated: 2024-11-13. Review status: criteria provided, single submitter. Criteria: ACMG Guidelines, 2015. Collection method: clinical testing. Allele origin: germline.

CeGaT Center for Human Genetics Tuebingen
Classification: Likely benign. Last evaluated: 2024-07-01. Review status: criteria provided, single submitter. Criteria: CeGaT Center For Human Genetics Tuebingen Variant Classification Criteria Version 2. Collection method: clinical testing. Allele origin: germline. Affected: yes. Observed: 2 variant alleles.
Comment: EMC10: BP4, BP7

NM_206538.4(EMC10):c.99G>A (p.Gly33=)

Genes: EMC10 (ER membrane protein complex subunit 10; plus strand), GARIN5A (golgi associated RAB2 interactor 5A; minus strand). Cytogenetic location: 19q13.33.
Variant type: single nucleotide variant.
Coding change: c.99G>A on transcript NM_206538.4 (MANE Select); coding-DNA position 99, G replaced by A.
Protein change: p.Gly33=; no amino-acid change (glycine 33 retained).
Molecular consequence: synonymous variant. On other transcripts: 5 prime UTR variant (2).
Genome position (GRCh38, 1-based): chr19:50,476,643, G>A. VCF-style: chr19-50476643-G-A. GRCh37 (hg19) VCF-style: chr19-50979900-G-A.
Other names: c.-255C>T (NM_001308429.2, NM_138411.3); c.99G>A, p.Gly33= (NM_175063.6).
Identifiers: ClinVar variation 2650340 (VCV002650340.25), dbSNP rs762886278, ClinGen allele CA9598894.